The following is an entry in ClinVar:

ClinVar aggregate classification (germline): Benign/Likely benign. Review status: criteria provided, multiple submitters, no conflicts (2 of 4 stars). 3 submissions from 3 submitters: Benign (1); Likely benign (2). Last evaluated 2025-10-21.

Conditions:
Hereditary cancer-predisposing syndrome. Also called: Hereditary Cancer Syndrome; Hereditary neoplastic syndrome; Neoplastic Syndromes, Hereditary; Tumor predisposition. Identifiers: Orphanet 140162, MedGen C0027672, MeSH D009386, MONDO:0015356.
Familial adenomatous polyposis 1 (FAP1). Also called: FAMILIAL ADENOMATOUS POLYPOSIS 1, ATTENUATED; POLYPOSIS, ADENOMATOUS INTESTINAL. Identifiers: MedGen C2713442, MONDO:0021056, OMIM 175100. Disease mechanism: loss of function.

Allele frequency attached by ClinVar (database versions not stated): gnomAD 0.00003.

Submissions (3):

Labcorp Genetics (formerly Invitae), Labcorp
Classification: Likely benign for Familial adenomatous polyposis 1. Last evaluated: 2025-10-21. Review status: criteria provided, single submitter. Criteria: Invitae Variant Classification Sherloc (09022015). Collection method: clinical testing. Allele origin: germline.

Ambry Genetics
Classification: Likely benign for Hereditary cancer-predisposing syndrome. Last evaluated: 2024-03-28. Review status: criteria provided, single submitter. Criteria: Ambry Variant Classification Scheme 2023. Collection method: clinical testing. Allele origin: germline.

Myriad Genetics, Inc.
Classification: Benign for Familial adenomatous polyposis 1. Last evaluated: 2024-02-23. Review status: criteria provided, single submitter. Criteria: Myriad Autosomal Dominant, Autosomal Recessive and X-Linked Classification Criteria (2023). Collection method: clinical testing. Allele origin: unknown.
Comment: This variant is considered benign. This variant is a silent/synonymous amino acid change and it is not expected to impact splicing.

NM_000038.6(APC):c.555C>G (p.Thr185=)

Gene: APC (APC regulator of Wnt signaling pathway; plus strand). Cytogenetic location: 5q22.2.
Variant type: single nucleotide variant.
Coding change: c.555C>G on transcript NM_000038.6 (MANE Select); coding-DNA position 555, C replaced by G.
Protein change: p.Thr185=; no amino-acid change (threonine 185 retained).
Molecular consequence: synonymous variant. On other transcripts: 5 prime UTR variant (1).
Genome position (GRCh38, 1-based): chr5:112,780,813, C>G. VCF-style: chr5-112780813-C-G. GRCh37 (hg19) VCF-style: chr5-112116510-C-G.
Other names: c.555C>G, p.Thr185= (NM_001127510.3, NM_001354895.2, NM_001354896.2 and 2 more transcripts); c.585C>G, p.Thr195= (NM_001127511.3, NM_001354897.2, NM_001354902.2); c.480C>G, p.Thr160= (NM_001354898.2, NM_001354904.2); c.378C>G, p.Thr126= (NM_001354900.2, NM_001354901.2, NM_001354905.2); c.-481C>G (NM_001354906.2).
Identifiers: ClinVar variation 754975 (VCV000754975.12), dbSNP rs1287296038, ClinGen allele CA445755489.